The following is an entry in ClinVar:

NM_005257.6(GATA6):c.1070del (p.Pro357fs)

Gene: GATA6 (GATA binding protein 6; plus strand). Cytogenetic location: 18q11.2.
Variant type: Deletion.
Coding change: c.1070del on transcript NM_005257.6 (MANE Select); coding-DNA position 1070, one base deleted (C; older notation c.1070delC).
Protein change: p.Pro357fs; shifts the reading frame from proline 357.
Molecular consequence: frameshift variant.
Genome position (GRCh38, 1-based): chr18:22,172,214, C deleted; the last of 4 consecutive C bases (chr18:22,172,211-22,172,214); deleting any one gives the same sequence. VCF-style (leftmost placement, unchanged base first): chr18-22172210-AC-A. GRCh37 (hg19) VCF-style: chr18-19752171-AC-A.
Other names: short protein forms P357fs.
Identifiers: ClinVar variation 818043 (VCV000818043.1), dbSNP rs1598734446, ClinGen allele CA915952456.

ClinVar aggregate classification (germline): Pathogenic (1 of 4 stars; one submission).

Submission:

GeneDx
Classification: Pathogenic. Last evaluated: 2019-03-15. Review status: criteria provided, single submitter. Criteria: GeneDx Variant Classification (06012015). Collection method: clinical testing. Allele origin: germline. Affected: yes.
Comment: The c.1070delC variant in the GATA6 gene has not been reported previously as a pathogenic variant nor as a benign variant, to our knowledge. The c.1070delC variant causes a frameshift starting with codon Proline 357, changes this amino acid to an Arginine residue, and creates a premature Stop codon at position 35 of the new reading frame, denoted p.Pro357ArgfsX35. This variant is predicted to cause loss of normal protein function either through protein truncation or nonsense-mediated mRNA decay. The c.1070delC variant is not observed in large population cohorts (Lek et al., 2016). We interpret c.1070delC as a pathogenic variant.